The following is an entry in ClinVar:

ClinVar aggregate classification (germline): Uncertain significance (1 of 4 stars; one submission).

Conditions:
DZIP1-related disorder. Also called: DZIP1-related condition.

gnomAD v4.1: 20 of 1,614,164 alleles (0.0012%); highest among the groups gnomAD compares: East Asian, 0.029%; no homozygotes.

Submission:

PreventionGenetics, part of Exact Sciences
Classification: Uncertain significance for DZIP1-related condition. Last evaluated: 2026-01-02. Review status: criteria provided, single submitter. Criteria: ACMG Guidelines, 2015. Collection method: clinical testing. Allele origin: germline.
Comment: The DZIP1 c.1042G>A variant is predicted to result in the amino acid substitution p.Glu348Lys. To our knowledge, this variant has not been reported in the literature. This variant is present in 0.070% of alleles in individuals of East Asian descent in gnomAD. At this time, the clinical significance of this variant is uncertain due to the absence of conclusive functional and genetic evidence.

NM_198968.4(DZIP1):c.1042G>A (p.Glu348Lys)

Gene: DZIP1 (DAZ interacting zinc finger protein 1; minus strand). Cytogenetic location: 13q32.1.
Variant type: single nucleotide variant.
Coding change: c.1042G>A on transcript NM_198968.4 (MANE Select); coding-DNA position 1042, G replaced by A.
Protein change: p.Glu348Lys; replaces glutamic acid 348 with lysine.
Molecular consequence: missense variant.
Genome position (GRCh38, 1-based): chr13:95,622,411, C>T on the plus strand (G>A on the coding strand, the complement: DZIP1 is on the minus strand). VCF-style: chr13-95622411-C-T. GRCh37 (hg19) VCF-style: chr13-96274665-C-T.
Other names: c.1042G>A, p.Glu348Lys (NM_014934.5); short protein forms E348K.
Identifiers: ClinVar variation 4989515 (VCV004989515.1).